The following is an entry in ClinVar:

ClinVar aggregate classification (germline): Uncertain significance (1 of 4 stars; one submission).

Conditions:
46,XY sex reversal 9 (SRXY9). Also called: 46,XY SEX REVERSAL, ZFPM2-RELATED. Identifiers: Orphanet 251510, MedGen C4015129, MONDO:0014480, OMIM 616067.

Allele frequency attached by ClinVar (database versions not stated): TOPMed below 0.00001.
gnomAD v4.1: 1 of 1,613,558 alleles (0.000062%); no homozygotes.

Submission:

Labcorp Genetics (formerly Invitae), Labcorp
Classification: Uncertain significance for 46,XY sex reversal 9. Last evaluated: 2019-06-24. Review status: criteria provided, single submitter. Criteria: Invitae Variant Classification Sherloc (09022015). Collection method: clinical testing. Allele origin: germline.
Comment: In summary, the available evidence is currently insufficient to determine the role of this variant in disease. Therefore, it has been classified as a Variant of Uncertain Significance. Algorithms developed to predict the effect of missense changes on protein structure and function are either unavailable or do not agree on the potential impact of this missense change (SIFT: "Deleterious"; PolyPhen-2: "Probably Damaging"; Align-GVGD: "Class C0"). This variant has not been reported in the literature in individuals with ZFPM2-related disease. This variant is not present in population databases (ExAC no frequency). This sequence change replaces valine with alanine at codon 795 of the ZFPM2 protein (p.Val795Ala). The valine residue is moderately conserved and there is a small physicochemical difference between valine and alanine.

NM_012082.4(ZFPM2):c.2384T>C (p.Val795Ala)

Genes: ZFPM2 (zinc finger protein, FOG family member 2; plus strand), ZFPM2-AS1 (ZFPM2 antisense RNA 1; minus strand), LOC126860469 (BRD4-independent group 4 enhancer GRCh37_chr8:106814445-106815644; plus strand). Cytogenetic location: 8q23.1.
Variant type: single nucleotide variant.
Coding change: c.2384T>C on transcript NM_012082.4 (MANE Select); coding-DNA position 2384, T replaced by C.
Protein change: p.Val795Ala; replaces valine 795 with alanine.
Molecular consequence: missense variant.
Genome position (GRCh38, 1-based): chr8:105,802,466, T>C. VCF-style: chr8-105802466-T-C. GRCh37 (hg19) VCF-style: chr8-106814694-T-C.
Other names: c.2225T>C, p.Val742Ala (NM_001362836.2); c.1988T>C, p.Val663Ala (NM_001362837.2); short protein forms V795A, V663A, V742A.
Identifiers: ClinVar variation 578784 (VCV000578784.11), dbSNP rs1563574497, ClinGen allele CA371953959.